The following is an entry in ClinVar:

ClinVar aggregate classification (germline): Uncertain significance (1 of 4 stars; one submission).

Conditions:
EGFR-related lung cancer (EGFR). Identifiers: MedGen CN130014.

Submission:

Labcorp Genetics (formerly Invitae), Labcorp
Classification: Uncertain significance for EGFR-related lung cancer. Last evaluated: 2024-05-29. Review status: criteria provided, single submitter. Criteria: Invitae Variant Classification Sherloc (09022015). Collection method: clinical testing. Allele origin: germline.
Comment: This sequence change replaces lysine, which is basic and polar, with arginine, which is basic and polar, at codon 328 of the EGFR protein (p.Lys328Arg). This variant is not present in population databases (gnomAD no frequency). This variant has not been reported in the literature in individuals affected with EGFR-related conditions. Advanced modeling of protein sequence and biophysical properties (such as structural, functional, and spatial information, amino acid conservation, physicochemical variation, residue mobility, and thermodynamic stability) performed at Invitae indicates that this missense variant is not expected to disrupt EGFR protein function with a negative predictive value of 80%. Algorithms developed to predict the effect of sequence changes on RNA splicing suggest that this variant may create or strengthen a splice site. In summary, the available evidence is currently insufficient to determine the role of this variant in disease. Therefore, it has been classified as a Variant of Uncertain Significance.

NM_005228.5(EGFR):c.983A>G (p.Lys328Arg)

Gene: EGFR (epidermal growth factor receptor; plus strand). Cytogenetic location: 7p11.2.
Variant type: single nucleotide variant.
Coding change: c.983A>G on transcript NM_005228.5 (MANE Select); coding-DNA position 983, A replaced by G.
Protein change: p.Lys328Arg; replaces lysine 328 with arginine.
Molecular consequence: missense variant.
Genome position (GRCh38, 1-based): chr7:55,155,923, A>G. VCF-style: chr7-55155923-A-G. GRCh37 (hg19) VCF-style: chr7-55223616-A-G.
Other names: c.848A>G, p.Lys283Arg (NM_001346897.2, NM_001346899.2); c.983A>G, p.Lys328Arg (NM_001346898.2, NM_201282.2, NM_201283.2 and 1 more transcripts); c.824A>G, p.Lys275Arg (NM_001346900.2); c.182A>G, p.Lys61Arg (NM_001346941.2); short protein forms K328R, K61R, K283R, K275R.
Identifiers: ClinVar variation 2698590 (VCV002698590.3), dbSNP rs2128937561, ClinGen allele CA367578118.